The following is an entry in ClinVar:

NM_001378778.1(MPDZ):c.748-6_748-3del

Gene: MPDZ (multiple PDZ domain crumbs cell polarity complex component; minus strand). Cytogenetic location: 9p23.
Variant type: Microsatellite.
Coding change: c.748-6_748-3del on transcript NM_001378778.1 (MANE Select); 6 bases into the intron before coding-DNA position 748 through 3 bases into the intron before coding-DNA position 748, 4 bases deleted (TTGT; older notation c.748-6_748-3delTTGT).
Molecular consequence: intron variant.
Genome position (GRCh38, 1-based): chr9:13,221,503-13,221,506, ACAA deleted on the plus strand (TTGT on the coding strand, the reverse complement: MPDZ is on the minus strand); deleting any 4 consecutive bases within chr9:13,221,503-13,221,511 gives the same sequence; the c. name uses the placement nearest the transcript's 3' end. VCF-style (leftmost placement, unchanged base first): chr9-13221502-TACAA-T. GRCh37 (hg19) VCF-style: chr9-13221501-TACAA-T.
Other names: c.748-6_748-3del (NM_001375425.1, NM_001375420.1, NM_001375419.1 and 14 more transcripts).
Identifiers: ClinVar variation 1936603 (VCV001936603.3), dbSNP rs750495324, ClinGen allele CA4988013.

ClinVar aggregate classification (germline): Uncertain significance (1 of 4 stars; one submission).

Submission:

Labcorp Genetics (formerly Invitae), Labcorp
Classification: Uncertain significance. Last evaluated: 2022-08-16. Review status: criteria provided, single submitter. Criteria: Invitae Variant Classification Sherloc (09022015). Collection method: clinical testing. Allele origin: germline.
Comment: In summary, the available evidence is currently insufficient to determine the role of this variant in disease. Therefore, it has been classified as a Variant of Uncertain Significance. Algorithms developed to predict the effect of sequence changes on RNA splicing suggest that this variant may create or strengthen a splice site. This variant has not been reported in the literature in individuals affected with MPDZ-related conditions. The frequency data for this variant in the population databases is considered unreliable, as metrics indicate poor data quality at this position in the gnomAD database. This sequence change falls in intron 6 of the MPDZ gene. It does not directly change the encoded amino acid sequence of the MPDZ protein.